The following is an entry in ClinVar:

NM_001195.5(BFSP1):c.1943C>T (p.Thr648Ile)

Gene: BFSP1 (beaded filament structural protein 1; minus strand). Cytogenetic location: 20p12.1.
Variant type: single nucleotide variant.
Coding change: c.1943C>T on transcript NM_001195.5 (MANE Select); coding-DNA position 1943, C replaced by T.
Protein change: p.Thr648Ile; replaces threonine 648 with isoleucine.
Molecular consequence: missense variant.
Genome position (GRCh38, 1-based): chr20:17,494,129, G>A on the plus strand (C>T on the coding strand, the complement: BFSP1 is on the minus strand). VCF-style: chr20-17494129-G-A. GRCh37 (hg19) VCF-style: chr20-17474774-G-A.
Other names: c.1568C>T, p.Thr523Ile (NM_001161705.2); c.1526C>T, p.Thr509Ile (NM_001278606.2, NM_001278608.2); c.1610C>T, p.Thr537Ile (NM_001278607.2); short protein forms T537I, T648I, T509I, T523I.
Identifiers: ClinVar variation 1497022 (VCV001497022.8), dbSNP rs752902567, ClinGen allele CA9771947.
Genomic context (GRCh38, chr20:17,494,129, plus strand): 5'-GCATTTTAAGAGCTCTTCTCTCCTGATTTCTTCTTGTCTGACTTTGTCTTTCCAATCATG[G>A]TCTCCACGATCACAGCGGTTTCTTCATATGTCTGAATGCTCTCCGTGGAAATCTTCTCGA-3'
Protein context (NP_001186.1, residues 638-658): TYEETAVIVE[Thr648Ile]MIGKTKSDKK

ClinVar aggregate classification (germline): Uncertain significance (1 of 4 stars; one submission).

Conditions:
Cataract 33. Also called: CATARACT 33, CORTICAL. Identifiers: Orphanet 91492, MedGen C3808107, MONDO:0012665, OMIM 611391.

Allele frequency attached by ClinVar (database versions not stated): gnomAD exomes 0.00001 and 0.00002; TOPMed 0.00001; ExAC 0.00002.
gnomAD v4.1: 4 of 1,614,034 alleles (0.00025%); highest among the groups gnomAD compares: Admixed American, 0.0067%; no homozygotes.

Submission:

Labcorp Genetics (formerly Invitae), Labcorp
Classification: Uncertain significance for Cataract 33. Last evaluated: 2021-02-17. Review status: criteria provided, single submitter. Criteria: Invitae Variant Classification Sherloc (09022015). Collection method: clinical testing. Allele origin: germline.
Comment: In summary, the available evidence is currently insufficient to determine the role of this variant in disease. Therefore, it has been classified as a Variant of Uncertain Significance. Algorithms developed to predict the effect of missense changes on protein structure and function are either unavailable or do not agree on the potential impact of this missense change (SIFT: "Deleterious"; PolyPhen-2: "Probably Damaging"; Align-GVGD: "Class C0"). This variant has not been reported in the literature in individuals with BFSP1-related conditions. This variant is present in population databases (rs752902567, ExAC 0.03%). This sequence change replaces threonine with isoleucine at codon 648 of the BFSP1 protein (p.Thr648Ile). The threonine residue is highly conserved and there is a moderate physicochemical difference between threonine and isoleucine.